The following is an entry in ClinVar:

NM_015404.4(WHRN):c.2491G>A (p.Glu831Lys)

Gene: WHRN (whirlin; minus strand). Cytogenetic location: 9q32.
Variant type: single nucleotide variant.
Coding change: c.2491G>A on transcript NM_015404.4 (MANE Select); coding-DNA position 2491, G replaced by A.
Protein change: p.Glu831Lys; replaces glutamic acid 831 with lysine.
Molecular consequence: missense variant.
Genome position (GRCh38, 1-based): chr9:114,403,267, C>T on the plus strand (G>A on the coding strand, the complement: WHRN is on the minus strand). VCF-style: chr9-114403267-C-T. GRCh37 (hg19) VCF-style: chr9-117165547-C-T.
Other names: c.1342G>A, p.Glu448Lys (NM_001083885.3); c.2488G>A, p.Glu830Lys (NM_001173425.2); c.1438G>A, p.Glu480Lys (NM_001346890.1); short protein forms E831K, E448K, E830K, E480K.
Identifiers: ClinVar variation 2140132 (VCV002140132.2), dbSNP rs748047192, ClinGen allele CA5205613.
Genomic context (GRCh38, chr9:114,403,267, plus strand): 5'-GGGGACATACCTGAATAGTGACAATCCTAGGCAGGGGCTGGCGGGTGTTGGCGCCACCCT[C>T]GATGGCGATGCCCAGGGTGGCCGCACTTTTCTTCACACGGACCAGAGTGGACGTGGGCTC-3'
Protein context (NP_056219.3, residues 821-841): KSAATLGIAI[Glu831Lys]GGANTRQPLP

ClinVar aggregate classification (germline): Uncertain significance (1 of 4 stars; one submission).

Allele frequency attached by ClinVar (database versions not stated): ExAC 0.00001; gnomAD 0.00001; TOPMed 0.00001; gnomAD exomes 0.00003.
gnomAD v4.1: 41 of 1,614,020 alleles (0.0025%); highest among the groups gnomAD compares: Non-Finnish European, 0.0033%; no homozygotes.

Submission:

Labcorp Genetics (formerly Invitae), Labcorp
Classification: Uncertain significance. Last evaluated: 2022-08-06. Review status: criteria provided, single submitter. Criteria: Invitae Variant Classification Sherloc (09022015). Collection method: clinical testing. Allele origin: germline.
Comment: In summary, the available evidence is currently insufficient to determine the role of this variant in disease. Therefore, it has been classified as a Variant of Uncertain Significance. Algorithms developed to predict the effect of missense changes on protein structure and function (SIFT, PolyPhen-2, Align-GVGD) all suggest that this variant is likely to be disruptive. This variant has not been reported in the literature in individuals affected with WHRN-related conditions. This variant is present in population databases (rs748047192, gnomAD 0.002%). This sequence change replaces glutamic acid, which is acidic and polar, with lysine, which is basic and polar, at codon 831 of the WHRN protein (p.Glu831Lys).